The following is an entry in ClinVar:

NM_005475.3(SH2B3):c.1586T>C (p.Val529Ala)

Gene: SH2B3 (SH2B adaptor protein 3; plus strand). Cytogenetic location: 12q24.12.
Variant type: single nucleotide variant.
Coding change: c.1586T>C on transcript NM_005475.3 (MANE Select); coding-DNA position 1586, T replaced by C.
Protein change: p.Val529Ala; replaces valine 529 with alanine.
Molecular consequence: missense variant.
Genome position (GRCh38, 1-based): chr12:111,448,160, T>C. VCF-style: chr12-111448160-T-C. GRCh37 (hg19) VCF-style: chr12-111885964-T-C.
Other names: c.980T>C, p.Val327Ala (NM_001291424.1); short protein forms V327A, V529A.
Identifiers: ClinVar variation 4864381 (VCV004864381.1).

ClinVar aggregate classification (germline): Uncertain significance (1 of 4 stars; one submission).

Conditions:
Inborn genetic diseases. Identifiers: MedGen C0950123, MeSH D030342.

gnomAD v4.1: 2 of 1,614,110 alleles (0.00012%); highest among the groups gnomAD compares: African/African-American, 0.0013%; no homozygotes.

Submission:

Ambry Genetics
Classification: Uncertain significance for Inborn genetic diseases. Last evaluated: 2026-03-16. Review status: criteria provided, single submitter. Criteria: Ambry Variant Classification Scheme 2023. Collection method: clinical testing. Allele origin: germline.
Comment: The p.V529A variant (also known as c.1586T>C), located in coding exon 7 of the SH2B3 gene, results from a T to C substitution at nucleotide position 1586. The valine at codon 529 is replaced by alanine, an amino acid with similar properties. This amino acid position is conserved. In addition, this alteration is predicted to be tolerated by in silico analysis. Based on the available evidence, the clinical significance of this variant remains unclear.